The following is an entry in ClinVar:

ClinVar aggregate classification (germline): Likely benign. Review status: criteria provided, multiple submitters, no conflicts (2 of 4 stars). 3 submissions from 3 submitters: Likely benign (3). Last evaluated 2026-02-01.

Conditions:
Landau-Kleffner syndrome (FESD). Also called: APHASIA, ACQUIRED, WITH EPILEPSY; EPILEPSY, FOCAL, WITH SPEECH DISORDER AND WITH OR WITHOUT MENTAL RETARDATION. Identifiers: Orphanet 1945, Orphanet 725, Orphanet 98818, MedGen C0282512, MONDO:0009509, OMIM 245570.

Allele frequency attached by ClinVar (database versions not stated): ExAC 0.00001; TOPMed 0.00002; gnomAD exomes 0.00002 and 0.00004; gnomAD 0.00001.

Submissions (3):

CeGaT Center for Human Genetics Tuebingen
Classification: Likely benign. Last evaluated: 2026-02-01. Review status: criteria provided, single submitter. Criteria: CeGaT Center For Human Genetics Tuebingen Variant Classification Criteria Version 2. Collection method: clinical testing. Allele origin: germline. Affected: yes. Observed: 1 variant allele.
Comment: GRIN2A: BP4

Labcorp Genetics (formerly Invitae), Labcorp
Classification: Likely benign for Landau-Kleffner syndrome. Last evaluated: 2025-09-24. Review status: criteria provided, single submitter. Criteria: Invitae Variant Classification Sherloc (09022015). Collection method: clinical testing. Allele origin: germline.

Blueprint Genetics
Classification: Likely benign. Last evaluated: 2022-01-03. Review status: criteria provided, single submitter. Criteria: ACMG Guidelines, 2015. Collection method: clinical testing. Allele origin: germline.

NM_001134407.3(GRIN2A):c.1833G>A (p.Leu611=)

Gene: GRIN2A (glutamate ionotropic receptor NMDA type subunit 2A; minus strand). Cytogenetic location: 16p13.2.
Variant type: single nucleotide variant.
Coding change: c.1833G>A on transcript NM_001134407.3 (MANE Select); coding-DNA position 1833, G replaced by A.
Protein change: p.Leu611=; no amino-acid change (leucine 611 retained).
Molecular consequence: synonymous variant.
Genome position (GRCh38, 1-based): chr16:9,829,597, C>T on the plus strand (G>A on the coding strand, the complement: GRIN2A is on the minus strand). VCF-style: chr16-9829597-C-T. GRCh37 (hg19) VCF-style: chr16-9923454-C-T.
Other names: c.1833G>A, p.Leu611= (NM_000833.5, NM_001134408.2).
Identifiers: ClinVar variation 697200 (VCV000697200.16), dbSNP rs745506751, ClinGen allele CA7896624.
Genomic context (GRCh38, chr16:9,829,597, plus strand): 5'-TACCATGATCTTGCTGGTGGTCCCTTTAGGATTCTGGACAGGCACGGAGTTATTGAACAC[C>T]AGGCCCCAAAGAAGCCATATAGCTTTTCCAATTGTAAAAGAAGGCCCATGGGGTGCTGCA-3'
Protein context (NP_001127879.1, residues 601-621): IGKAIWLLWG[Leu611=]VFNNSVPVQN